The following is an entry in ClinVar:

ClinVar aggregate classification (germline): Uncertain significance (1 of 4 stars; one submission).

Conditions:
Cardiovascular phenotype. Identifiers: MedGen CN230736.

Submission:

Ambry Genetics
Classification: Uncertain significance for Cardiovascular phenotype. Last evaluated: 2025-04-30. Review status: criteria provided, single submitter. Criteria: Ambry Variant Classification Scheme 2023. Collection method: clinical testing. Allele origin: germline.
Comment: The c.3825+1G>A intronic variant results from a G to A substitution one nucleotide after coding exon 21 of the TTN gene. This exon is located in the near Z-disk region of the N2-B isoform of the titin protein and is constitutively expressed in TTN transcripts (percent spliced in or PSI 100%). This nucleotide position is highly conserved in available vertebrate species. In silico splice site analysis predicts that this alteration will weaken the native splice donor site. This variant disrupts the canonical splice site and is expected to cause aberrant splicing. However, although direct evidence is unavailable, this alteration is predicted to result in an in-frame transcript that is not expected to trigger nonsense-mediated mRNA decay. The exact functional effect of the predicted splice impact is unknown. Based on the available evidence, the clinical significance of this variant remains unclear.

NM_001267550.2(TTN):c.3963+1G>A

Genes: TTN (titin; minus strand), LOC101927055 (uncharacterized LOC101927055; plus strand). Cytogenetic location: 2q31.2.
Variant type: single nucleotide variant.
Coding change: c.3963+1G>A on transcript NM_001267550.2 (MANE Select); the canonical splice donor site of the intron after coding-DNA position 3963, G replaced by A.
Molecular consequence: splice donor variant.
Genome position (GRCh38, 1-based): chr2:178,779,228, C>T on the plus strand (G>A on the coding strand, the complement: TTN is on the minus strand). VCF-style: chr2-178779228-C-T. GRCh37 (hg19) VCF-style: chr2-179643955-C-T.
Other names: c.3825+1G>A (NM_003319.4, NM_133437.4, NM_133432.3); c.3963+1G>A (NM_133378.4, NM_001256850.1, NM_133379.5).
Identifiers: ClinVar variation 3975780 (VCV003975780.1).
Genomic context (GRCh38, chr2:178,779,228, plus strand): 5'-TATTTTAACCAATTTGTATCTTTACTGTGGCAAGGAGCTATGATAAATGTTTATATTTTA[C>T]CTTTGGTAATGGATATCCAGACATCTTGCAATGAAAAGTGACACCCATCCCCTCAAGAAT-3'